The following is an entry in ClinVar:

NM_000432.4(MYL2):c.229A>G (p.Ile77Val)

Gene: MYL2 (myosin light chain 2; minus strand). Cytogenetic location: 12q24.11.
Variant type: single nucleotide variant.
Coding change: c.229A>G on transcript NM_000432.4 (MANE Select); coding-DNA position 229, A replaced by G.
Protein change: p.Ile77Val; replaces isoleucine 77 with valine.
Molecular consequence: missense variant.
Genome position (GRCh38, 1-based): chr12:110,914,231, T>C on the plus strand (A>G on the coding strand, the complement: MYL2 is on the minus strand). VCF-style: chr12-110914231-T-C. GRCh37 (hg19) VCF-style: chr12-111352035-T-C.
Other names: short protein forms I77V.
Identifiers: ClinVar variation 532780 (VCV000532780.14), dbSNP rs373475989, ClinGen allele CA040848.

ClinVar aggregate classification (germline): Uncertain significance. Review status: criteria provided, multiple submitters, no conflicts (2 of 4 stars). 4 submissions from 4 submitters: Uncertain significance (4). Last evaluated 2025-12-21.

Conditions:
Hypertrophic cardiomyopathy 10. Also called: CARDIOMYOPATHY, HYPERTROPHIC, MID-LEFT VENTRICULAR CHAMBER TYPE, 2; MYL2-Related Familial Hypertrophic Cardiomyopathy. Identifiers: MedGen C1834460, MONDO:0012112, OMIM 608758.
Hypertrophic cardiomyopathy. Also called: HYPERTROPHIC MYOCARDIOPATHY. Identifiers: Orphanet 217569, MedGen C0007194, MeSH D002312, MONDO:0005045, HP:0001639.
Cardiomyopathy (CMYO). Also called: Cardiomyopathies. Identifiers: Orphanet 167848, MedGen C0878544, MONDO:0004994, HP:0001638. Inheritance: Various modes of inheritance.
Cardiovascular phenotype. Identifiers: MedGen CN230736.

Allele frequency attached by ClinVar (database versions not stated): gnomAD exomes below 0.00001; ExAC 0.00001; gnomAD 0.00001; TOPMed 0.00001; ESP Exome Variant Server 0.00008.
gnomAD v4.1: 6 of 1,613,954 alleles (0.00037%); highest among the groups gnomAD compares: African/African-American, 0.0027%; no homozygotes.

Submissions (4):

Labcorp Genetics (formerly Invitae), Labcorp
Classification: Uncertain significance for Hypertrophic cardiomyopathy 10. Last evaluated: 2025-12-21. Review status: criteria provided, single submitter. Criteria: Invitae Variant Classification Sherloc (09022015). Collection method: clinical testing. Allele origin: germline.
Comment: This sequence change replaces isoleucine, which is neutral and non-polar, with valine, which is neutral and non-polar, at codon 77 of the MYL2 protein (p.Ile77Val). This variant is present in population databases (rs373475989, gnomAD 0.0009%). This variant has not been reported in the literature in individuals affected with MYL2-related conditions. ClinVar contains an entry for this variant (Variation ID: 532780). An algorithm developed to predict the effect of missense changes on protein structure and function (PolyPhen-2) suggests that this variant is likely to be tolerated. In summary, the available evidence is currently insufficient to determine the role of this variant in disease. Therefore, it has been classified as a Variant of Uncertain Significance.

All of Us Research Program, National Institutes of Health
Classification: Uncertain significance for Hypertrophic cardiomyopathy. Last evaluated: 2024-03-05. Review status: criteria provided, single submitter. Criteria: ACMG Guidelines, 2015. Collection method: clinical testing. Allele origin: germline. Inheritance: Autosomal dominant inheritance. Observed: 2 variant alleles, 2 heterozygotes.
Comment: This missense variant replaces isoleucine with valine at codon 77 of the MYL2 protein. Computational prediction suggests that this variant may not impact protein structure and function (internally defined REVEL score threshold <= 0.5, PMID: 27666373). To our knowledge, functional studies have not been reported for this variant. This variant has not been reported in individuals affected with MYL2-related disorders in the literature. This variant has not been identified in the general population by the Genome Aggregation Database (gnomAD). The available evidence is insufficient to determine the role of this variant in disease conclusively. Therefore, this variant is classified as a Variant of Uncertain Significance.

This study involves interpretation of variants in research participants for the purpose of population health screening. Participant phenotype was not available at the time of variant classification. Additional details can be found in publication PMID: 35346344, PMCID: PMC8962531

Color Diagnostics, LLC DBA Color Health
Classification: Uncertain significance for Cardiomyopathy. Last evaluated: 2023-11-08. Review status: criteria provided, single submitter. Criteria: ACMG Guidelines, 2015. Collection method: clinical testing. Allele origin: germline.
Comment: This missense variant replaces isoleucine with valine at codon 77 of the MYL2 protein. Computational prediction suggests that this variant may not impact protein structure and function. To our knowledge, functional studies have not been reported for this variant. This variant has not been reported in individuals affected with MYL2-related disorders in the literature. This variant has not been identified in the general population by the Genome Aggregation Database (gnomAD). The available evidence is insufficient to determine the role of this variant in disease conclusively. Therefore, this variant is classified as a Variant of Uncertain Significance.

Ambry Genetics
Classification: Uncertain significance for Cardiovascular phenotype. Last evaluated: 2020-02-12. Review status: criteria provided, single submitter. Criteria: Ambry Variant Classification Scheme 2023. Collection method: clinical testing. Allele origin: germline.
Comment: The p.I77V variant (also known as c.229A>G), located in coding exon 4 of the MYL2 gene, results from an A to G substitution at nucleotide position 229. The isoleucine at codon 77 is replaced by valine, an amino acid with highly similar properties. This amino acid position is highly conserved in available vertebrate species. In addition, the in silico prediction for this alteration is inconclusive. Since supporting evidence is limited at this time, the clinical significance of this alteration remains unclear.